The following is an entry in ClinVar:

NM_001371623.1(TCOF1):c.1629G>C (p.Glu543Asp)

Gene: TCOF1 (treacle ribosome biogenesis factor 1; plus strand). Cytogenetic location: 5q32.
Variant type: single nucleotide variant.
Coding change: c.1629G>C on transcript NM_001371623.1 (MANE Select); coding-DNA position 1629, G replaced by C.
Protein change: p.Glu543Asp; replaces glutamic acid 543 with aspartic acid.
Molecular consequence: missense variant.
Genome position (GRCh38, 1-based): chr5:150,375,479, G>C. VCF-style: chr5-150375479-G-C. GRCh37 (hg19) VCF-style: chr5-149755042-G-C.
Other names: c.1398G>C, p.Glu466Asp (NM_000356.4, NM_001135245.2); c.1629G>C, p.Glu543Asp (NM_001008657.3, NM_001135243.2, NM_001135244.2 and 1 more transcripts); short protein forms E466D, E543D.
Identifiers: ClinVar variation 2343365 (VCV002343365.6), dbSNP rs138254692, ClinGen allele CA10619730.
Genomic context (GRCh38, chr5:150,375,479, plus strand): 5'-AGTGCCACCCGGGAAGGTGGGGCCTGCAACCCCCTCAGCCCAGGTGGGGAAGTGGGAGGA[G>C]GACTCAGAGAGCAGTAGTGAGGAGTCATCAGACAGCAGTGATGGAGAGGTGCCCACAGCT-3'
Protein context (NP_001358552.1, residues 533-553): TPSAQVGKWE[Glu543Asp]DSESSSEESS

ClinVar aggregate classification (germline): Uncertain significance. Review status: criteria provided, multiple submitters, no conflicts (2 of 4 stars). 2 submissions from 2 submitters: Uncertain significance (2). Last evaluated 2025-04-29.

Conditions:
Treacher Collins syndrome 1 (TCS1). Also called: TCOF1-Related Treacher Collins Syndrome. Identifiers: Orphanet 861, MedGen CN315775, MONDO:0007944, OMIM 154500.
Inborn genetic diseases. Identifiers: MedGen C0950123, MeSH D030342.

Allele frequency attached by ClinVar (database versions not stated): TOPMed 0.00002; gnomAD 0.00003; ESP Exome Variant Server 0.00023.
gnomAD v4.1: 42 of 1,614,040 alleles (0.0026%); highest among the groups gnomAD compares: Non-Finnish European, 0.0032%; no homozygotes.

Submissions (2):

Ambry Genetics
Classification: Uncertain significance for Inborn genetic diseases. Last evaluated: 2025-04-29. Review status: criteria provided, single submitter. Criteria: Ambry Variant Classification Scheme 2023. Collection method: clinical testing. Allele origin: germline.

Labcorp Genetics (formerly Invitae), Labcorp
Classification: Uncertain significance for Treacher Collins syndrome 1. Last evaluated: 2024-11-11. Review status: criteria provided, single submitter. Criteria: Invitae Variant Classification Sherloc (09022015). Collection method: clinical testing. Allele origin: germline.
Comment: This sequence change replaces glutamic acid, which is acidic and polar, with aspartic acid, which is acidic and polar, at codon 543 of the TCOF1 protein (p.Glu543Asp). This variant is present in population databases (rs138254692, gnomAD 0.004%). This variant has not been reported in the literature in individuals affected with TCOF1-related conditions. ClinVar contains an entry for this variant (Variation ID: 2343365). An algorithm developed to predict the effect of missense changes on protein structure and function outputs the following: PolyPhen-2: "Benign". The aspartic acid amino acid residue is found in multiple mammalian species, which suggests that this missense change does not adversely affect protein function. In summary, the available evidence is currently insufficient to determine the role of this variant in disease. Therefore, it has been classified as a Variant of Uncertain Significance.